The following is an entry in ClinVar:

NM_007194.4(CHEK2):c.636T>G (p.Tyr212Ter)

Gene: CHEK2 (checkpoint kinase 2; minus strand). Cytogenetic location: 22q12.1.
Variant type: single nucleotide variant.
Coding change: c.636T>G on transcript NM_007194.4 (MANE Select); coding-DNA position 636, T replaced by G.
Protein change: p.Tyr212Ter; replaces tyrosine 212 with a stop codon.
Molecular consequence: nonsense. On other transcripts: 5 prime UTR variant (2), intron variant (1).
Genome position (GRCh38, 1-based): chr22:28,719,442, A>C on the plus strand (T>G on the coding strand, the complement: CHEK2 is on the minus strand). VCF-style: chr22-28719442-A-C. GRCh37 (hg19) VCF-style: chr22-29115430-A-C.
Other names: c.765T>G, p.Tyr255Ter (NM_001005735.3, NM_001438294.1); c.-28T>G (NM_001257387.3, NM_001437942.1); c.729T>G, p.Tyr243Ter (NM_001438293.1, NM_001438295.1); c.636T>G, p.Tyr212Ter (NM_145862.3); c.482+5444T>G (NM_001349956.3); short protein forms Y212*, Y255*, Y243*.
Identifiers: ClinVar variation 960172 (VCV000960172.8), dbSNP rs2053693149, ClinGen allele CA411105026.

ClinVar aggregate classification (germline): Pathogenic (1 of 4 stars; one submission).

Conditions:
Familial cancer of breast. Also called: BREAST CANCER, FAMILIAL; Hereditary breast cancer; hereditary breast carcinoma. Identifiers: Orphanet 227535, MedGen C0346153, MONDO:0016419, OMIM 114480. Disease mechanism: loss of function.

Submission:

Labcorp Genetics (formerly Invitae), Labcorp
Classification: Pathogenic for Familial cancer of breast. Last evaluated: 2019-07-10. Review status: criteria provided, single submitter. Criteria: Invitae Variant Classification Sherloc (09022015). Collection method: clinical testing. Allele origin: germline.
Comment: For these reasons, this variant has been classified as Pathogenic. Loss-of-function variants in CHEK2 are known to be pathogenic (PMID: 21876083, 24713400). This variant has not been reported in the literature in individuals with CHEK2-related conditions. This variant is not present in population databases (ExAC no frequency). This sequence change creates a premature translational stop signal (p.Tyr212*) in the CHEK2 gene. It is expected to result in an absent or disrupted protein product.

Literature cited by the submitters: PubMed 21876083; PubMed 24713400.